The following is an entry in ClinVar:

ClinVar aggregate classification (germline): Uncertain significance (1 of 4 stars; one submission).

Conditions:
Neuropathy, hereditary sensory and autonomic, type 2A (HSAN2A). Also called: ACROOSTEOLYSIS, GIACCAI TYPE; ACROOSTEOLYSIS, NEUROGENIC; MORVAN DISEASE; NEUROPATHY, CONGENITAL SENSORY; NEUROPATHY, HEREDITARY SENSORY RADICULAR, AUTOSOMAL RECESSIVE; NEUROPATHY, HEREDITARY SENSORY, TYPE IIA. Identifiers: Orphanet 970, MedGen C2752089, MONDO:0024309, OMIM 201300.
Generalized epilepsy with febrile seizures plus, type 7 (GEFSP7). Also called: GEFS+, TYPE 7. Identifiers: Orphanet 36387, MedGen C2751778, MONDO:0013470, OMIM 613863.

Submission:

Labcorp Genetics (formerly Invitae), Labcorp
Classification: Uncertain significance for Neuropathy, hereditary sensory and autonomic, type 2A; Generalized epilepsy with febrile seizures plus, type 7. Last evaluated: 2025-11-27. Review status: criteria provided, single submitter. Criteria: Invitae Variant Classification Sherloc (09022015). Collection method: clinical testing. Allele origin: germline.
Comment: This sequence change replaces arginine, which is basic and polar, with serine, which is neutral and polar, at codon 26 of the SCN9A protein (p.Arg26Ser). This variant is not present in population databases (gnomAD no frequency). This variant has not been reported in the literature in individuals affected with SCN9A-related conditions. Invitae Evidence Modeling of protein sequence and biophysical properties (such as structural, functional, and spatial information, amino acid conservation, physicochemical variation, residue mobility, and thermodynamic stability) has been performed for this missense variant. However, the output from this modeling did not meet the statistical confidence thresholds required to predict the impact of this variant on SCN9A protein function. In summary, the available evidence is currently insufficient to determine the role of this variant in disease. Therefore, it has been classified as a Variant of Uncertain Significance.

NM_001365536.1(SCN9A):c.76C>A (p.Arg26Ser)

Gene: SCN9A (sodium voltage-gated channel alpha subunit 9; minus strand). Cytogenetic location: 2q24.3.
Variant type: single nucleotide variant.
Coding change: c.76C>A on transcript NM_001365536.1 (MANE Select); coding-DNA position 76, C replaced by A.
Protein change: p.Arg26Ser; replaces arginine 26 with serine.
Molecular consequence: missense variant.
Genome position (GRCh38, 1-based): chr2:166,311,681, G>T on the plus strand (C>A on the coding strand, the complement: SCN9A is on the minus strand). VCF-style: chr2-166311681-G-T. GRCh37 (hg19) VCF-style: chr2-167168191-G-T.
Other names: c.76C>A, p.Arg26Ser (NM_002977.4); short protein forms R26S.
Identifiers: ClinVar variation 4788910 (VCV004788910.1).